The following is an entry in ClinVar:

NM_177438.3(DICER1):c.5494C>G (p.Gln1832Glu)

Gene: DICER1 (dicer 1, ribonuclease III; minus strand). Cytogenetic location: 14q32.13.
Variant type: single nucleotide variant.
Coding change: c.5494C>G on transcript NM_177438.3 (MANE Select); coding-DNA position 5494, C replaced by G.
Protein change: p.Gln1832Glu; replaces glutamine 1832 with glutamic acid.
Molecular consequence: missense variant. On other transcripts: intron variant (1).
Genome position (GRCh38, 1-based): chr14:95,091,236, G>C on the plus strand (C>G on the coding strand, the complement: DICER1 is on the minus strand). VCF-style: chr14-95091236-G-C. GRCh37 (hg19) VCF-style: chr14-95557573-G-C.
Other names: c.5494C>G, p.Gln1832Glu (NM_001271282.3, NM_001291628.2, NM_030621.4); c.5494C>G (NM_177438.2); c.5365-127C>G (NM_001195573.1); short protein forms Q1832E.
Identifiers: ClinVar variation 1400021 (VCV001400021.10), dbSNP rs1060503583, ClinGen allele CA390864528.

ClinVar aggregate classification (germline): Uncertain significance. Review status: criteria provided, multiple submitters, no conflicts (2 of 4 stars). 2 submissions from 2 submitters: Uncertain significance (2). Last evaluated 2025-07-18.

Conditions:
DICER1-related tumor predisposition. Also called: DICER1 syndrome; DICER1-related pleuropulmonary blastoma cancer predisposition syndrome. Identifiers: Orphanet 284343, MedGen C3839822, MONDO:0100216.
Hereditary cancer-predisposing syndrome. Also called: Neoplastic Syndromes, Hereditary; Hereditary neoplastic syndrome; Hereditary Cancer Syndrome; Tumor predisposition. Identifiers: Orphanet 140162, MedGen C0027672, MeSH D009386, MONDO:0015356.

Allele frequency attached by ClinVar (database versions not stated): gnomAD exomes below 0.00001.

Submissions (2):

Ambry Genetics
Classification: Uncertain significance for Hereditary cancer-predisposing syndrome. Last evaluated: 2025-07-18. Review status: criteria provided, single submitter. Criteria: Ambry Variant Classification Scheme 2023. Collection method: clinical testing. Allele origin: germline.
Comment: The p.Q1832E variant (also known as c.5494C>G), located in coding exon 24 of the DICER1 gene, results from a C to G substitution at nucleotide position 5494. The glutamine at codon 1832 is replaced by glutamic acid, an amino acid with highly similar properties. This amino acid position is conserved. In addition, this alteration is predicted to be tolerated by in silico analysis. Based on the available evidence, the clinical significance of this variant remains unclear.

Labcorp Genetics (formerly Invitae), Labcorp
Classification: Uncertain significance for DICER1-related tumor predisposition. Last evaluated: 2024-03-06. Review status: criteria provided, single submitter. Criteria: Invitae Variant Classification Sherloc (09022015). Collection method: clinical testing. Allele origin: germline.
Comment: This sequence change replaces glutamine, which is neutral and polar, with glutamic acid, which is acidic and polar, at codon 1832 of the DICER1 protein (p.Gln1832Glu). This variant is present in population databases (no rsID available, gnomAD 0.0009%). This variant has not been reported in the literature in individuals affected with DICER1-related conditions. ClinVar contains an entry for this variant (Variation ID: 1400021). An algorithm developed to predict the effect of missense changes on protein structure and function (PolyPhen-2) suggests that this variant is likely to be tolerated. In summary, the available evidence is currently insufficient to determine the role of this variant in disease. Therefore, it has been classified as a Variant of Uncertain Significance.